The following is an entry in ClinVar:

ClinVar aggregate classification (germline): Uncertain significance (1 of 4 stars; one submission).

Conditions:
Epileptic encephalopathy. Identifiers: MedGen C0543888, HP:0200134.

Submission:

Labcorp Genetics (formerly Invitae), Labcorp
Classification: Uncertain significance for Epileptic encephalopathy. Last evaluated: 2019-08-20. Review status: criteria provided, single submitter. Criteria: Invitae Variant Classification Sherloc (09022015). Collection method: clinical testing. Allele origin: germline.
Comment: This sequence change replaces isoleucine with methionine at codon 246 of the FASN protein (p.Ile246Met). The isoleucine residue is moderately conserved and there is a small physicochemical difference between isoleucine and methionine. This variant is not present in population databases (ExAC no frequency). This variant has not been reported in the literature in individuals with FASN-related conditions. Algorithms developed to predict the effect of missense changes on protein structure and function are either unavailable or do not agree on the potential impact of this missense change (SIFT: "Deleterious"; PolyPhen-2: "Possibly Damaging"; Align-GVGD: "Class C0"). In summary, the available evidence is currently insufficient to determine the role of this variant in disease. Therefore, it has been classified as a Variant of Uncertain Significance.

NM_004104.5(FASN):c.738C>G (p.Ile246Met)

Gene: FASN (fatty acid synthase; minus strand). Cytogenetic location: 17q25.3.
Variant type: single nucleotide variant.
Coding change: c.738C>G on transcript NM_004104.5 (MANE Select); coding-DNA position 738, C replaced by G.
Protein change: p.Ile246Met; replaces isoleucine 246 with methionine.
Molecular consequence: missense variant.
Genome position (GRCh38, 1-based): chr17:82,092,937, G>C on the plus strand (C>G on the coding strand, the complement: FASN is on the minus strand). VCF-style: chr17-82092937-G-C. GRCh37 (hg19) VCF-style: chr17-80050813-G-C.
Other names: short protein forms I246M.
Identifiers: ClinVar variation 955181 (VCV000955181.9), dbSNP rs752837813, ClinGen allele CA401563270.